The following is an entry in ClinVar:

NM_001163435.3(TBCK):c.2512C>T (p.Gln838Ter)

Gene: TBCK (TBC1 domain containing kinase; minus strand). Cytogenetic location: 4q24.
Variant type: single nucleotide variant.
Coding change: c.2512C>T on transcript NM_001163435.3 (MANE Select); coding-DNA position 2512, C replaced by T.
Protein change: p.Gln838Ter; replaces glutamine 838 with a stop codon.
Molecular consequence: nonsense.
Genome position (GRCh38, 1-based): chr4:106,095,541, G>A on the plus strand (C>T on the coding strand, the complement: TBCK is on the minus strand). VCF-style: chr4-106095541-G-A. GRCh37 (hg19) VCF-style: chr4-107016698-G-A.
Other names: NM_001163435.3(TBCK):c.2512C>T; p.Gln838Ter; c.2512C>T, p.Gln838Ter (NM_001163436.4); c.2395C>T, p.Gln799Ter (NM_001163437.3); c.1996C>T, p.Gln666Ter (NM_001290768.2); c.2323C>T, p.Gln775Ter (NM_033115.5); short protein forms Q838*, Q666*, Q775*, Q799*.
Identifiers: ClinVar variation 916195 (VCV000916195.47), dbSNP rs1740799305, ClinGen allele CA357970674.

ClinVar aggregate classification (germline): Conflicting classifications of pathogenicity. Review status: criteria provided, conflicting classifications (1 of 4 stars). 4 submissions from 4 submitters: Pathogenic (1); Likely pathogenic (2); Uncertain significance (1). Last evaluated 2025-01-13.

Conditions:
Hypotonia, infantile, with psychomotor retardation and characteristic facies 3 (IHPRF3). Also called: TBCK-Related Neurodevelopmental Disorder. Identifiers: Orphanet 488632, MedGen C5567480, MONDO:0014823, OMIM 616900.

gnomAD v4.1: 1 of 1,614,056 alleles (0.000062%); no homozygotes.

Submissions (4):

Broad Center for Mendelian Genomics, Broad Institute of MIT and Harvard
Classification: Likely pathogenic for Hypotonia, infantile, with psychomotor retardation and characteristic facies 3. Last evaluated: 2025-01-13. Review status: criteria provided, single submitter. Criteria: ACMG Guidelines, 2015. Collection method: curation. Allele origin: germline. Inheritance: Autosomal recessive inheritance.
Comment: The p.Glu838Ter variant in TBCK has not been previously reported in the literature in individuals with TBCK-related intellectual disability syndrome, but has been identified in 0.002% (1/62508) of remaining chromosomes by the Genome Aggregation Database (gnomAD; dbSNP ID: rs1740799305). Although this variant has been seen in the general population in a heterozygous state, its frequency is low enough to be consistent with a recessive carrier frequency. This variant has also been reported in ClinVar (Variation ID: 916195) and has been interpreted as pathogenic/likely pathogenic by Invitae and Institute of Medical Genetics and Applied Genomics (University Hospital T√ºbingen), and a variant of uncertain significance by CeGaT Center for Human Genetics Tuebingen. This nonsense variant leads to a premature termination codon at position 838, which is predicted to lead to a truncated or absent protein. Loss of function of the TBCK gene is an established disease mechanism in autosomal recessive TBCK-related intellectual disability syndrome. In summary, although additional studies are required to fully establish its clinical significance, this variant is likely pathogenic for autosomal recessive TBCK-related intellectual disability syndrome. ACMG/AMP Criteria applied: PVS1, PM2_supporting (Richards 2015).

Labcorp Genetics (formerly Invitae), Labcorp
Classification: Pathogenic. Last evaluated: 2022-02-09. Review status: criteria provided, single submitter. Criteria: Invitae Variant Classification Sherloc (09022015). Collection method: clinical testing. Allele origin: germline.
Comment: For these reasons, this variant has been classified as Pathogenic. ClinVar contains an entry for this variant (Variation ID: 916195). This variant has not been reported in the literature in individuals affected with TBCK-related conditions. This variant is not present in population databases (gnomAD no frequency). This sequence change creates a premature translational stop signal (p.Gln838*) in the TBCK gene. It is expected to result in an absent or disrupted protein product. Loss-of-function variants in TBCK are known to be pathogenic (PMID: 27040692, 30103036).

Institute of Medical Genetics and Applied Genomics, University Hospital Tübingen
Classification: Likely pathogenic. Last evaluated: 2020-10-23. Review status: criteria provided, single submitter. Criteria: ACMG Guidelines, 2015. Collection method: clinical testing. Allele origin: germline. Inheritance: Unknown mechanism. Affected: yes.

CeGaT Center for Human Genetics Tuebingen
Classification: Uncertain significance. Last evaluated: 2020-03-01. Review status: criteria provided, single submitter. Criteria: CeGaT Center For Human Genetics Tuebingen Variant Classification Criteria Version 2. Collection method: clinical testing. Allele origin: germline. Affected: yes. Observed: 5 variant alleles.

Literature cited by the submitters: PubMed 27040692 (cited by Labcorp Genetics (formerly Invitae), Labcorp); PubMed 30103036 (cited by Labcorp Genetics (formerly Invitae), Labcorp).